The following is an entry in ClinVar:

ClinVar aggregate classification (germline): Benign. Review status: criteria provided, multiple submitters, no conflicts (2 of 4 stars). 3 submissions from 3 submitters: Benign (3). Last evaluated 2020-06-30.

Conditions:
Pitt-Hopkins-like syndrome 2 (PTHSL2). Identifiers: Orphanet 221150, Orphanet 600663, MedGen C3280479, MONDO:0013690, OMIM 614325.

Allele frequency attached by ClinVar (database versions not stated): 1000 Genomes Project 30x 0.06543; 1000 Genomes Project 0.06689; TOPMed 0.07694; gnomAD 0.07837 and 0.07889; gnomAD exomes 0.09649.
gnomAD v4.1: 12,051 of 152,414 alleles (7.9%); highest among the groups gnomAD compares: South Asian, 12%; 537 homozygotes.

Submissions (3):

GeneDx
Classification: Benign. Last evaluated: 2020-06-30. Review status: criteria provided, single submitter. Criteria: GeneDx Variant Classification Process June 2021. Collection method: clinical testing. Allele origin: germline. Affected: yes.

Illumina Laboratory Services, Illumina
Classification: Benign for Pitt-Hopkins-like syndrome 2. Last evaluated: 2018-01-12. Review status: criteria provided, single submitter. Criteria: ICSL Variant Classification Criteria 13 December 2019. Collection method: clinical testing. Allele origin: germline.
Comment: This variant was observed in the ICSL laboratory as part of a predisposition screen in an ostensibly healthy population. It had not been previously curated by ICSL or reported in the Human Gene Mutation Database (HGMD: prior to June 1st, 2018), and was therefore a candidate for classification through an automated scoring system. Utilizing variant allele frequency, disease prevalence and penetrance estimates, and inheritance mode, an automated score was calculated to assess if this variant is too frequent to cause the disease. Based on the score and internal cut-off values, a variant classified as benign is not then subjected to further curation. The score for this variant resulted in a classification of benign for this disease.

Breakthrough Genomics
Classification: Benign. Review status: criteria provided, single submitter. Criteria: ACMG Guidelines, 2015. Collection method: not provided. Allele origin: germline. Inheritance: Autosomal recessive inheritance. Affected: yes.

NM_001330078.2(NRXN1):c.-563G>C

Gene: NRXN1 (neurexin 1; minus strand). Cytogenetic location: 2p16.3.
Variant type: single nucleotide variant.
Coding change: c.-563G>C on transcript NM_001330078.2 (MANE Select); 563 bases upstream of the start codon, G replaced by C.
Molecular consequence: 5 prime UTR variant.
Genome position (GRCh38, 1-based): chr2:51,028,836, C>G on the plus strand (G>C on the coding strand, the complement: NRXN1 is on the minus strand). VCF-style: chr2-51028836-C-G. GRCh37 (hg19) VCF-style: chr2-51255974-C-G.
Other names: c.-563G>C (NM_001135659.3, NM_001330077.2, NM_001330079.2 and 15 more transcripts).
Identifiers: ClinVar variation 336569 (VCV000336569.7), dbSNP rs62143025, ClinGen allele CA10613665.